The following is an entry in ClinVar:

NM_024408.4(NOTCH2):c.5375A>C (p.Gln1792Pro)

Gene: NOTCH2 (notch receptor 2; minus strand). Cytogenetic location: 1p12.
Variant type: single nucleotide variant.
Coding change: c.5375A>C on transcript NM_024408.4 (MANE Select); coding-DNA position 5375, A replaced by C.
Protein change: p.Gln1792Pro; replaces glutamine 1792 with proline.
Molecular consequence: missense variant.
Genome position (GRCh38, 1-based): chr1:119,920,333, T>G on the plus strand (A>C on the coding strand, the complement: NOTCH2 is on the minus strand). VCF-style: chr1-119920333-T-G. GRCh37 (hg19) VCF-style: chr1-120462956-T-G.
Other names: short protein forms Q1792P.
Identifiers: ClinVar variation 3648039 (VCV003648039.2).

ClinVar aggregate classification (germline): Uncertain significance (1 of 4 stars; one submission).

Conditions:
Hajdu-Cheney syndrome (HJCYS). Also called: Acroosteolysis dominant type; SERPENTINE FIBULA-POLYCYSTIC KIDNEY SYNDROME; ACROOSTEOLYSIS WITH OSTEOPOROSIS AND CHANGES IN SKULL AND MANDIBLE. Identifiers: Orphanet 955, MedGen C0917715, MONDO:0007057, OMIM 102500.

Submission:

Labcorp Genetics (formerly Invitae), Labcorp
Classification: Uncertain significance for Hajdu-Cheney syndrome. Last evaluated: 2025-04-08. Review status: criteria provided, single submitter. Criteria: Invitae Variant Classification Sherloc (09022015). Collection method: clinical testing. Allele origin: germline.
Comment: This sequence change replaces glutamine, which is neutral and polar, with proline, which is neutral and non-polar, at codon 1792 of the NOTCH2 protein (p.Gln1792Pro). This variant is not present in population databases (gnomAD no frequency). This variant has not been reported in the literature in individuals affected with NOTCH2-related conditions. ClinVar contains an entry for this variant (Variation ID: 3648039). Invitae Evidence Modeling of protein sequence and biophysical properties (such as structural, functional, and spatial information, amino acid conservation, physicochemical variation, residue mobility, and thermodynamic stability) indicates that this missense variant is not expected to disrupt NOTCH2 protein function with a negative predictive value of 80%. In summary, the available evidence is currently insufficient to determine the role of this variant in disease. Therefore, it has been classified as a Variant of Uncertain Significance.